The following is an entry in ClinVar:

ClinVar aggregate classification (germline): Uncertain significance. Review status: criteria provided, multiple submitters, no conflicts (2 of 4 stars). 2 submissions from 2 submitters: Uncertain significance (2). Last evaluated 2025-05-14.

Conditions:
Hereditary pancreatitis (PCTT). Also called: Hereditary chronic pancreatitis; PRSS1-Related Hereditary Pancreatitis. Identifiers: Orphanet 676, MedGen C0238339, MONDO:0008185, OMIM 167800.

Allele frequency attached by ClinVar (database versions not stated): gnomAD 0.00001; TOPMed 0.00004; 1000 Genomes Project 30x 0.00016; 1000 Genomes Project 0.00020.

Submissions (2):

Ambry Genetics
Classification: Uncertain significance for Hereditary pancreatitis. Last evaluated: 2025-05-14. Review status: criteria provided, single submitter. Criteria: Ambry Variant Classification Scheme 2023. Collection method: clinical testing. Allele origin: germline.

Labcorp Genetics (formerly Invitae), Labcorp
Classification: Uncertain significance. Last evaluated: 2025-01-12. Review status: criteria provided, single submitter. Criteria: Invitae Variant Classification Sherloc (09022015). Collection method: clinical testing. Allele origin: germline.
Comment: This sequence change replaces valine, which is neutral and non-polar, with methionine, which is neutral and non-polar, at codon 337 of the CPA1 protein (p.Val337Met). This variant is present in population databases (rs529373594, gnomAD 0.003%). This variant has not been reported in the literature in individuals affected with CPA1-related conditions. ClinVar contains an entry for this variant (Variation ID: 1794784). Invitae Evidence Modeling of protein sequence and biophysical properties (such as structural, functional, and spatial information, amino acid conservation, physicochemical variation, residue mobility, and thermodynamic stability) indicates that this missense variant is not expected to disrupt CPA1 protein function with a negative predictive value of 80%. In summary, the available evidence is currently insufficient to determine the role of this variant in disease. Therefore, it has been classified as a Variant of Uncertain Significance.

NM_001868.4(CPA1):c.1009G>A (p.Val337Met)

Gene: CPA1 (carboxypeptidase A1; plus strand). Cytogenetic location: 7q32.2.
Variant type: single nucleotide variant.
Coding change: c.1009G>A on transcript NM_001868.4 (MANE Select); coding-DNA position 1009, G replaced by A.
Protein change: p.Val337Met; replaces valine 337 with methionine.
Molecular consequence: missense variant.
Genome position (GRCh38, 1-based): chr7:130,385,860, G>A. VCF-style: chr7-130385860-G-A. GRCh37 (hg19) VCF-style: chr7-130025701-G-A.
Other names: short protein forms V337M.
Identifiers: ClinVar variation 1794784 (VCV001794784.6), dbSNP rs529373594, ClinGen allele CA4485029.